The following is an entry in ClinVar:

NM_002471.4(MYH6):c.5045T>C (p.Leu1682Pro)

Genes: MYH6 (myosin heavy chain 6; minus strand), LOC126861896 (BRD4-independent group 4 enhancer GRCh37_chr14:23854904-23856103; plus strand). Cytogenetic location: 14q11.2.
Variant type: single nucleotide variant.
Coding change: c.5045T>C on transcript NM_002471.4 (MANE Select); coding-DNA position 5045, T replaced by C.
Protein change: p.Leu1682Pro; replaces leucine 1682 with proline.
Molecular consequence: missense variant.
Genome position (GRCh38, 1-based): chr14:23,386,046, A>G on the plus strand (T>C on the coding strand, the complement: MYH6 is on the minus strand). VCF-style: chr14-23386046-A-G. GRCh37 (hg19) VCF-style: chr14-23855255-A-G.
Other names: short protein forms L1682P.
Identifiers: ClinVar variation 1427430 (VCV001427430.6), dbSNP rs2138584230, ClinGen allele CA388990068.

ClinVar aggregate classification (germline): Uncertain significance (1 of 4 stars; one submission).

Conditions:
Hypertrophic cardiomyopathy 14. Identifiers: MedGen C2750467, MONDO:0013197, OMIM 613251.

Allele frequency attached by ClinVar (database versions not stated): gnomAD exomes below 0.00001.
gnomAD v4.1: 1 of 1,614,158 alleles (0.000062%); highest among the groups gnomAD compares: Non-Finnish European, 0.000085%; no homozygotes.

Submission:

Labcorp Genetics (formerly Invitae), Labcorp
Classification: Uncertain significance for Hypertrophic cardiomyopathy 14. Last evaluated: 2021-08-26. Review status: criteria provided, single submitter. Criteria: Invitae Variant Classification Sherloc (09022015). Collection method: clinical testing. Allele origin: germline.
Comment: In summary, the available evidence is currently insufficient to determine the role of this variant in disease. Therefore, it has been classified as a Variant of Uncertain Significance. Algorithms developed to predict the effect of missense changes on protein structure and function are either unavailable or do not agree on the potential impact of this missense change (SIFT: "Tolerated"; PolyPhen-2: "Probably Damaging"; Align-GVGD: "Class C0"). This variant has not been reported in the literature in individuals affected with MYH6-related conditions. This variant is not present in population databases (ExAC no frequency). This sequence change replaces leucine with proline at codon 1682 of the MYH6 protein (p.Leu1682Pro). The leucine residue is weakly conserved and there is a moderate physicochemical difference between leucine and proline.